The following is an entry in ClinVar:

NM_182643.3(DLC1):c.704G>A (p.Arg235Gln)

Gene: DLC1 (DLC1 Rho GTPase activating protein; minus strand). Cytogenetic location: 8p22.
Variant type: single nucleotide variant.
Coding change: c.704G>A on transcript NM_182643.3 (MANE Select); coding-DNA position 704, G replaced by A.
Protein change: p.Arg235Gln; replaces arginine 235 with glutamine.
Molecular consequence: missense variant. On other transcripts: 5 prime UTR variant (1).
Genome position (GRCh38, 1-based): chr8:13,499,368, C>T on the plus strand (G>A on the coding strand, the complement: DLC1 is on the minus strand). VCF-style: chr8-13499368-C-T. GRCh37 (hg19) VCF-style: chr8-13356877-C-T.
Other names: c.704G>A, p.Arg235Gln (NM_001348081.2, NM_001413124.1, NM_001413125.1 and 1 more transcripts); c.-748G>A (NM_001348082.2); short protein forms R235Q.
Identifiers: ClinVar variation 2636112 (VCV002636112.2), dbSNP rs140615088, ClinGen allele CA4639436.

ClinVar aggregate classification (germline): Uncertain significance. Review status: criteria provided, multiple submitters, no conflicts (2 of 4 stars). 2 submissions from 2 submitters: Uncertain significance (2). Last evaluated 2024-04-02.

Conditions:
DLC1-related disorder. Also called: DLC1-related condition.
Colorectal cancer. Also called: Malignant Colorectal Neoplasm; Colorectal cancer, somatic. Identifiers: MedGen C0346629, MONDO:0005575, OMIM 114500.

Allele frequency attached by ClinVar (database versions not stated): ExAC 0.00008; gnomAD 0.00011; TOPMed 0.00012; ESP Exome Variant Server 0.00015.
gnomAD v4.1: 458 of 1,613,808 alleles (0.028%); highest among the groups gnomAD compares: Non-Finnish European, 0.037%; no homozygotes.

Submissions (2):

Fulgent Genetics
Classification: Uncertain significance for Colorectal cancer. Last evaluated: 2024-04-02. Review status: criteria provided, single submitter. Criteria: ACMG Guidelines, 2015. Collection method: clinical testing. Allele origin: germline.

PreventionGenetics, part of Exact Sciences
Classification: Uncertain significance for DLC1-related condition. Last evaluated: 2022-12-22. Review status: criteria provided, single submitter. Criteria: ACMG Guidelines, 2015. Collection method: clinical testing. Allele origin: germline.
Comment: The DLC1 c.704G>A variant is predicted to result in the amino acid substitution p.Arg235Gln. To our knowledge, this variant has not been reported in the literature. This variant is reported in 0.023% of alleles in individuals of European (Non-Finnish) descent in gnomAD. At this time, the clinical significance of this variant is uncertain due to the absence of conclusive functional and genetic evidence.